The following is an entry in ClinVar:

NM_199355.4(ADAMTS18):c.3228G>T (p.Glu1076Asp)

Gene: ADAMTS18 (ADAM metallopeptidase with thrombospondin type 1 motif 18; minus strand). Cytogenetic location: 16q23.1.
Variant type: single nucleotide variant.
Coding change: c.3228G>T on transcript NM_199355.4 (MANE Select); coding-DNA position 3228, G replaced by T.
Protein change: p.Glu1076Asp; replaces glutamic acid 1076 with aspartic acid.
Molecular consequence: missense variant.
Genome position (GRCh38, 1-based): chr16:77,291,440, C>A on the plus strand (G>T on the coding strand, the complement: ADAMTS18 is on the minus strand). VCF-style: chr16-77291440-C-A. GRCh37 (hg19) VCF-style: chr16-77325337-C-A.
Other names: c.2712G>T, p.Glu904Asp (NM_001326358.2); short protein forms E1076D, E904D.
Identifiers: ClinVar variation 1429724 (VCV001429724.8), dbSNP rs189816611, ClinGen allele CA284422141.

ClinVar aggregate classification (germline): Uncertain significance (1 of 4 stars; one submission).

Allele frequency attached by ClinVar (database versions not stated): TOPMed below 0.00001; gnomAD 0.00001; 1000 Genomes Project 30x 0.00016; 1000 Genomes Project 0.00020.
gnomAD v4.1: 3 of 1,614,186 alleles (0.00019%); highest among the groups gnomAD compares: African/African-American, 0.0027%; no homozygotes.

Submission:

Labcorp Genetics (formerly Invitae), Labcorp
Classification: Uncertain significance. Last evaluated: 2022-12-31. Review status: criteria provided, single submitter. Criteria: Invitae Variant Classification Sherloc (09022015). Collection method: clinical testing. Allele origin: germline.
Comment: This variant is present in population databases (rs189816611, gnomAD 0.01%). In summary, the available evidence is currently insufficient to determine the role of this variant in disease. Therefore, it has been classified as a Variant of Uncertain Significance. Algorithms developed to predict the effect of missense changes on protein structure and function output the following: SIFT: "Not Available"; PolyPhen-2: "Benign"; Align-GVGD: "Not Available". The aspartic acid amino acid residue is found in multiple mammalian species, which suggests that this missense change does not adversely affect protein function. ClinVar contains an entry for this variant (Variation ID: 1429724). This variant has not been reported in the literature in individuals affected with ADAMTS18-related conditions. This sequence change replaces glutamic acid, which is acidic and polar, with aspartic acid, which is acidic and polar, at codon 1076 of the ADAMTS18 protein (p.Glu1076Asp).